The following is an entry in ClinVar:

ClinVar aggregate classification (germline): Pathogenic/Likely pathogenic. Review status: criteria provided, multiple submitters, no conflicts (2 of 4 stars). 4 submissions from 4 submitters: Pathogenic (2); Likely pathogenic (1). 1 of the submissions does not count toward it. Last evaluated 2024-12-10.

Conditions:
Autosomal recessive nonsyndromic hearing loss 1A (DFNB1A). Also called: Deafness, autosomal recessive 1A; GJB2-Related Autosomal Recessive Nonsyndromic Hearing Loss; Connexin 26 deafness; Deafness nonsyndromic, Connexin 26 linked; Nonsyndromic Hearing Loss and Deafness, DFNB1; GJB6-Related DFNB 1 Nonsyndromic Hearing Loss and Deafness. Identifiers: Orphanet 90636, MedGen C2673759, MONDO:0009076, OMIM 220290.
Palmoplantar keratoderma-deafness syndrome. Also called: Keratoderma palmoplantar, with deafness; Palmoplantar keratoderma and sensorineural deafness; Hereditary palmoplantar keratoderma with deafness (subtype); Focal palmoplantar keratoderma with sensorineural deafness (subtype); Diffuse palmoplantar keratoderma with deafness (subtype). Identifiers: Orphanet 2202, MedGen C1835672, MONDO:0007852, OMIM 148350.
Knuckle pads, deafness AND leukonychia syndrome. Also called: Bart-Pumphrey syndrome. Identifiers: Orphanet 2698, MedGen C0266004, MONDO:0007866, OMIM 149200.
Autosomal dominant keratitis-ichthyosis-hearing loss syndrome. Also called: HID SYNDROME; KID SYNDROME, AUTOSOMAL DOMINANT; Senter syndrome. Identifiers: Orphanet 477, MedGen C0265336, MONDO:0007850, OMIM 148210.
Autosomal dominant nonsyndromic hearing loss 3A. Identifiers: Orphanet 90635, MedGen C2675750, MONDO:0011103, OMIM 601544.
Ichthyosis, hystrix-like, with hearing loss. Also called: Hystrix-like ichthyosis with deafness. Identifiers: Orphanet 477, MedGen C1865234, MONDO:0011245.
Mutilating keratoderma (VOWNKL). Also called: Keratoderma hereditarium mutilans. Identifiers: Orphanet 494, MedGen C0265964, MONDO:0007422, OMIM 124500.

Submissions (4):

Natera, Inc.
Classification: Pathogenic for Autosomal recessive deafness type 1A. Last evaluated: 2024-12-10. Review status: criteria provided, single submitter. Criteria: Natera Variant Classification Schema (03/2026). Collection method: clinical testing. Allele origin: germline.
Comment: The c.51_62delCACCAGCATTGGinsA variant in GJB2 is a frameshift variant predicted to shift the reading frame beginning at codon 18 and leads to a stop codon 26 codons downstream. This variant is expected to result in nonsense mediated decay, truncation, or a dysfunctional protein product. This variant is rare in the general population with a frequency below the threshold expected for the associated phenotype(s). This variant has been observed in one or more individuals affected with the associated recessive disease, as either homozygous or compound heterozygous with a second variant (PMID: 19390476). Given the available evidence, this variant is classified as Pathogenic.

Fulgent Genetics
Classification: Likely pathogenic for Mutilating keratoderma; Autosomal dominant keratitis-ichthyosis-hearing loss syndrome; Palmoplantar keratoderma-deafness syndrome; Knuckle pads, deafness AND leukonychia syndrome; Autosomal recessive nonsyndromic hearing loss 1A; Autosomal dominant nonsyndromic hearing loss 3A. Last evaluated: 2024-06-17. Review status: criteria provided, single submitter. Criteria: ACMG Guidelines, 2015. Collection method: clinical testing. Allele origin: germline.

Athena Diagnostics
Classification: Pathogenic. Last evaluated: 2022-10-27. Review status: criteria provided, single submitter. Criteria: Athena Diagnostics Criteria. Collection method: clinical testing. Allele origin: unknown.
Comment: This variant is expected to result in the loss of a functional protein. This variant appears to segregate with autosomal recessive nonsyndromic hearing loss and deafness in at least one family. This variant has not been reported in large, multi-ethnic general populations.

OMIM
Classification: Pathogenic for DEAFNESS, AUTOSOMAL RECESSIVE 1A. Last evaluated: 2000-01-01. Review status: no assertion criteria provided. Collection method: literature only. Allele origin: germline. Not counted in ClinVar's aggregate classification.

Literature cited by the submitters: PubMed 19390476 (cited by Natera, Inc.); PubMed 10982182 (cited by Athena Diagnostics and OMIM); PubMed 27340645 (cited by Athena Diagnostics).

NM_004004.6(GJB2):c.51_62delinsA (p.Thr18fs)

Gene: GJB2 (gap junction protein beta 2; minus strand). Cytogenetic location: 13q12.11.
Variant type: Indel.
Coding change: c.51_62delinsA on transcript NM_004004.6 (MANE Select); coding-DNA positions 51 to 62, CACCAGCATTGG replaced by A.
Protein change: p.Thr18fs; shifts the reading frame from threonine 18.
Molecular consequence: frameshift variant.
Genome position (GRCh38, 1-based): chr13:20,189,520-20,189,531, CCAATGCTGGTG replaced by T on the plus strand (CACCAGCATTGG replaced by A on the coding strand, the reverse complement: GJB2 is on the minus strand). VCF-style: chr13-20189520-CCAATGCTGGTG-T. GRCh37 (hg19) VCF-style: chr13-20763659-CCAATGCTGGTG-T.
Other names: c.51_62delCACCAGCATTGGinsA (NM_004004.5); short protein forms T18fs.
Identifiers: ClinVar variation 17013 (VCV000017013.5), dbSNP rs886037624, ClinGen allele CA10575530.